The following is an entry in ClinVar:

NM_001048174.2(MUTYH):c.599T>A (p.Phe200Tyr)

Gene: MUTYH (mutY DNA glycosylase; minus strand). Cytogenetic location: 1p34.1.
Variant type: single nucleotide variant.
Coding change: c.599T>A on transcript NM_001048174.2 (MANE Select); coding-DNA position 599, T replaced by A.
Protein change: p.Phe200Tyr; replaces phenylalanine 200 with tyrosine.
Molecular consequence: missense variant. On other transcripts: non-coding transcript variant (7).
Genome position (GRCh38, 1-based): chr1:45,332,581, A>T on the plus strand (T>A on the coding strand, the complement: MUTYH is on the minus strand). VCF-style: chr1-45332581-A-T. GRCh37 (hg19) VCF-style: chr1-45798253-A-T.
Other names: c.599T>A, p.Phe200Tyr (NM_001293195.2, NM_001407070.1, NM_001407072.1 and 6 more transcripts); c.323T>A, p.Phe108Tyr (NM_001293196.2, NM_001407091.1, NM_001293192.2); c.254T>A, p.Phe85Tyr (NM_001350650.2, NM_001350651.2, NM_001407082.1); c.632T>A, p.Phe211Tyr (NM_001407069.1, NM_001293191.2, NM_001407077.1); c.602T>A, p.Phe201Tyr (NM_001407071.1, NM_001048172.2, NM_001407078.1 and 1 more transcripts); c.620T>A, p.Phe207Tyr (NM_001407087.1); c.674T>A, p.Phe225Tyr (NM_012222.3); c.683T>A, p.Phe228Tyr (NM_001128425.2); and 5 more; short protein forms F207Y, F225Y, F85Y, F187Y, F214Y, F215Y, F186Y, F200Y.
Identifiers: ClinVar variation 4113791 (VCV004113791.1).
Genomic context (GRCh38, chr1:45,332,581, plus strand): 5'-CTGGGAGGAAGGAGGCTGGGCACGCACAAAGTGGGGGTGGGCTGTGAGATCACCTGGCCA[A>T]AGGCGATAGAGGCAATGGCCCCAGCTGTGTAGCGCCCCACGCCAGGCAGGAGCTGCTGCA-3'
Protein context (NP_001041639.1, residues 190-210): YTAGAIASIA[Phe200Tyr]GQATGVVDGN

ClinVar aggregate classification (germline): Uncertain significance (1 of 4 stars; one submission).

Conditions:
Hereditary cancer-predisposing syndrome. Also called: Hereditary neoplastic syndrome; Neoplastic Syndromes, Hereditary; Tumor predisposition; Hereditary Cancer Syndrome. Identifiers: Orphanet 140162, MedGen C0027672, MeSH D009386, MONDO:0015356.

Submission:

Ambry Genetics
Classification: Uncertain significance for Hereditary cancer-predisposing syndrome. Last evaluated: 2025-08-27. Review status: criteria provided, single submitter. Criteria: Ambry Variant Classification Scheme 2023. Collection method: clinical testing. Allele origin: germline.
Comment: The p.F228Y variant (also known as c.683T>A), located in coding exon 8 of the MUTYH gene, results from a T to A substitution at nucleotide position 683. The phenylalanine at codon 228 is replaced by tyrosine, an amino acid with highly similar properties. This amino acid position is conserved. In addition, the in silico prediction for this alteration is inconclusive. Based on the available evidence, the clinical significance of this variant remains unclear.